The following is an entry in ClinVar:

NM_145045.5(ODAD3):c.659C>T (p.Ala220Val)

Gene: ODAD3 (outer dynein arm docking complex subunit 3; minus strand). Cytogenetic location: 19p13.2.
Variant type: single nucleotide variant.
Coding change: c.659C>T on transcript NM_145045.5 (MANE Select); coding-DNA position 659, C replaced by T.
Protein change: p.Ala220Val; replaces alanine 220 with valine.
Molecular consequence: missense variant. On other transcripts: intron variant (1).
Genome position (GRCh38, 1-based): chr19:11,426,738, G>A on the plus strand (C>T on the coding strand, the complement: ODAD3 is on the minus strand). VCF-style: chr19-11426738-G-A. GRCh37 (hg19) VCF-style: chr19-11537558-G-A.
Other names: c.497C>T, p.Ala166Val (NM_001302453.1); c.534+135C>T (NM_001302454.2); short protein forms A166V, A220V.
Identifiers: ClinVar variation 660537 (VCV000660537.7), dbSNP rs368057071, ClinGen allele CA9212322.

ClinVar aggregate classification (germline): Uncertain significance. Review status: criteria provided, multiple submitters, no conflicts (2 of 4 stars). 3 submissions from 3 submitters: Uncertain significance (3). Last evaluated 2025-08-07.

Conditions:
Primary ciliary dyskinesia 30. Also called: CILIARY DYSKINESIA, PRIMARY, 30, WITH OR WITHOUT SITUS INVERSUS. Identifiers: Orphanet 244, MedGen C4015016, MONDO:0014465, OMIM 616037.
Primary ciliary dyskinesia. Also called: Ciliary dyskinesia. Identifiers: Orphanet 244, MedGen C0008780, MONDO:0016575, HP:0012265.
Inborn genetic diseases. Identifiers: MedGen C0950123, MeSH D030342.

Allele frequency attached by ClinVar (database versions not stated): ExAC 0.00003; gnomAD 0.00013 and 0.00012; gnomAD exomes 0.00001 and 0.00003; ESP Exome Variant Server 0.00016; TOPMed 0.00018.
gnomAD v4.1: 44 of 1,613,714 alleles (0.0027%); highest among the groups gnomAD compares: African/African-American, 0.047%; no homozygotes.

Submissions (3):

Ambry Genetics
Classification: Uncertain significance for Inborn genetic diseases. Last evaluated: 2025-08-07. Review status: criteria provided, single submitter. Criteria: Ambry Variant Classification Scheme 2023. Collection method: clinical testing. Allele origin: germline.

Molecular Genetics McLendon Clinical Laboratories, University of North Carolina at Chapel Hill
Classification: Uncertain significance for Primary ciliary dyskinesia. Last evaluated: 2023-09-26. Review status: criteria provided, single submitter. Criteria: ACMG Guidelines, 2015. Collection method: clinical testing. Allele origin: germline.

Labcorp Genetics (formerly Invitae), Labcorp
Classification: Uncertain significance for Primary ciliary dyskinesia 30. Last evaluated: 2022-11-01. Review status: criteria provided, single submitter. Criteria: Invitae Variant Classification Sherloc (09022015). Collection method: clinical testing. Allele origin: germline.
Comment: This sequence change replaces alanine, which is neutral and non-polar, with valine, which is neutral and non-polar, at codon 220 of the CCDC151 protein (p.Ala220Val). This variant is present in population databases (rs368057071, gnomAD 0.04%). This variant has not been reported in the literature in individuals affected with CCDC151-related conditions. ClinVar contains an entry for this variant (Variation ID: 660537). Algorithms developed to predict the effect of missense changes on protein structure and function output the following: SIFT: "Tolerated"; PolyPhen-2: "Benign"; Align-GVGD: "Class C0". The valine amino acid residue is found in multiple mammalian species, which suggests that this missense change does not adversely affect protein function. In summary, the available evidence is currently insufficient to determine the role of this variant in disease. Therefore, it has been classified as a Variant of Uncertain Significance.